The following is an entry in ClinVar:

NM_024675.4(PALB2):c.3201+9T>A

Gene: PALB2 (partner and localizer of BRCA2; minus strand). Cytogenetic location: 16p12.2.
Variant type: single nucleotide variant.
Coding change: c.3201+9T>A on transcript NM_024675.4 (MANE Select); 9 bases into the intron after coding-DNA position 3201, T replaced by A.
Molecular consequence: intron variant.
Genome position (GRCh38, 1-based): chr16:23,613,995, A>T on the plus strand (T>A on the coding strand, the complement: PALB2 is on the minus strand). VCF-style: chr16-23613995-A-T. GRCh37 (hg19) VCF-style: chr16-23625316-A-T.
Identifiers: ClinVar variation 1578701 (VCV001578701.10), dbSNP rs2142298416, ClinGen allele CA2573152161.

ClinVar aggregate classification (germline): Likely benign. Review status: criteria provided, multiple submitters, no conflicts (2 of 4 stars). 2 submissions from 2 submitters: Likely benign (2). Last evaluated 2025-01-21.

Conditions:
Familial cancer of breast. Also called: BREAST CANCER, FAMILIAL; hereditary breast carcinoma; Hereditary breast cancer. Identifiers: Orphanet 227535, MedGen C0346153, MONDO:0016419, OMIM 114480. Disease mechanism: loss of function.

Submissions (2):

Myriad Genetics, Inc.
Classification: Likely benign for Familial cancer of breast. Last evaluated: 2025-01-21. Review status: criteria provided, single submitter. Criteria: Myriad Autosomal Dominant, Autosomal Recessive and X-Linked Classification Criteria (2023). Collection method: clinical testing. Allele origin: unknown.
Comment: This variant is considered likely benign. This variant is intronic and is not expected to impact mRNA splicing.

Labcorp Genetics (formerly Invitae), Labcorp
Classification: Likely benign for Familial cancer of breast. Last evaluated: 2021-08-20. Review status: criteria provided, single submitter. Criteria: Invitae Variant Classification Sherloc (09022015). Collection method: clinical testing. Allele origin: germline.